The following is an entry in ClinVar:

ClinVar aggregate classification (germline): Uncertain significance. Review status: criteria provided, multiple submitters, no conflicts (2 of 4 stars). 4 submissions from 4 submitters: Uncertain significance (4). Last evaluated 2026-01-21.

Conditions:
Bent bone dysplasia syndrome 1 (BBDS1). Also called: FGFR2-related bent bone dysplasia. Identifiers: Orphanet 313855, MedGen C3281247, MONDO:0013815, OMIM 614592.
Acrocephalosyndactyly type I (ACS1). Also called: Acrocephalo-syndactyly type 1; ACS 1; Syndactylic oxycephaly; Apert syndrome. Identifiers: Orphanet 87, MedGen C0001193, MONDO:0007041, OMIM 101200.
Saethre-Chotzen syndrome (SCS). Also called: ACROCEPHALY, SKULL ASYMMETRY, AND MILD SYNDACTYLY; ACS III; CHOTZEN SYNDROME. Identifiers: Orphanet 794, MedGen C0175699, MONDO:0007042, OMIM 101400.
LADD syndrome 1 (LADD1). Also called: Lacrimoauriculodentodigital syndrome 1. Identifiers: MedGen C5774323, MONDO:0100302, OMIM 149730.
Beare-Stevenson cutis gyrata syndrome (BSTVS). Identifiers: Orphanet 1555, MedGen C1852406, MONDO:0007412, OMIM 123790.
Familial scaphocephaly syndrome, McGillivray type. Also called: SCAPHOCEPHALY, MAXILLARY RETRUSION, AND IMPAIRED INTELLECTUAL DEVELOPMENT. Identifiers: Orphanet 168624, MedGen C1865070, MONDO:0012307, OMIM 609579.
Crouzon syndrome. Also called: Craniofacial dysostosis; Craniofacial dysostosis type 1; Crouzon craniofacial dysostosis; Crouzon disease; CRANIOFACIAL DYSOSTOSIS, TYPE I. Identifiers: Orphanet 207, MedGen C0010273, MeSH D003394, MONDO:0007405, OMIM 123500, HP:0004439.
Gastric cancer. Also called: Malignant tumor of stomach; Stomach cancer. Identifiers: MedGen C0024623, MeSH D013274, MONDO:0001056, OMIM 613659, HP:0012126.
Jackson-Weiss syndrome (JWS). Also called: CRANIOSYNOSTOSIS, MIDFACIAL HYPOPLASIA, AND FOOT ABNORMALITIES. Identifiers: Orphanet 1540, MedGen C0795998, MONDO:0007400, OMIM 123150. Disease mechanism: loss of function.
Pfeiffer syndrome (ACS5). Also called: ACS V. Identifiers: Orphanet 710, MedGen C0220658, MONDO:0007043, OMIM 101600.
Antley-Bixler syndrome without genital anomalies or disordered steroidogenesis (ABS2). Also called: Trapezoidocephaly synostosis syndrome; Osteodysgenesis, multisynostotic with fractures; MULTISYNOSTOTIC OSTEODYSGENESIS WITH LONG BONE FRACTURES; Antley-Bixler Syndrome, Autosomal Dominant. Identifiers: Orphanet 596008, Orphanet 83, MedGen C2936791, MONDO:0020667, OMIM 207410.
FGFR2-related craniosynostosis. Identifiers: MedGen CN231480.
Inborn genetic diseases. Identifiers: MedGen C0950123, MeSH D030342.

Allele frequency attached by ClinVar (database versions not stated): gnomAD exomes below 0.00001; gnomAD 0.00001; TOPMed 0.00001.
gnomAD v4.1: 4 of 1,613,998 alleles (0.00025%); highest among the groups gnomAD compares: Admixed American, 0.0033%; no homozygotes.

Submissions (4):

Labcorp Genetics (formerly Invitae), Labcorp
Classification: Uncertain significance for FGFR2-related craniosynostosis. Last evaluated: 2026-01-21. Review status: criteria provided, single submitter. Criteria: Invitae Variant Classification Sherloc (09022015). Collection method: clinical testing. Allele origin: germline.
Comment: This sequence change replaces threonine, which is neutral and polar, with alanine, which is neutral and non-polar, at codon 448 of the FGFR2 protein (p.Thr448Ala). This variant is present in population databases (no rsID available, gnomAD 0.003%). This variant has not been reported in the literature in individuals affected with FGFR2-related conditions. ClinVar contains an entry for this variant (Variation ID: 1903593). Invitae Evidence Modeling of protein sequence and biophysical properties (such as structural, functional, and spatial information, amino acid conservation, physicochemical variation, residue mobility, and thermodynamic stability) has been performed for this missense variant. However, the output from this modeling did not meet the statistical confidence thresholds required to predict the impact of this variant on FGFR2 protein function. In summary, the available evidence is currently insufficient to determine the role of this variant in disease. Therefore, it has been classified as a Variant of Uncertain Significance.

Ambry Genetics
Classification: Uncertain significance for Inborn genetic diseases. Last evaluated: 2025-09-28. Review status: criteria provided, single submitter. Criteria: Ambry Variant Classification Scheme 2023. Collection method: clinical testing. Allele origin: germline.

Fulgent Genetics
Classification: Uncertain significance for Acrocephalosyndactyly type I; Saethre-Chotzen syndrome; Pfeiffer syndrome; Jackson-Weiss syndrome; Crouzon syndrome; Beare-Stevenson cutis gyrata syndrome; LADD syndrome 1; Antley-Bixler syndrome without genital anomalies or disordered steroidogenesis; Familial scaphocephaly syndrome, McGillivray type; Gastric cancer; Bent bone dysplasia syndrome 1. Last evaluated: 2024-04-24. Review status: criteria provided, single submitter. Criteria: ACMG Guidelines, 2015. Collection method: clinical testing. Allele origin: germline.

GeneDx
Classification: Uncertain significance. Last evaluated: 2023-01-11. Review status: criteria provided, single submitter. Criteria: GeneDx Variant Classification Process June 2021. Collection method: clinical testing. Allele origin: germline. Affected: yes.
Comment: In silico analysis supports that this missense variant does not alter protein structure/function; Has not been previously published as pathogenic or benign to our knowledge

NM_000141.5(FGFR2):c.1342A>G (p.Thr448Ala)

Gene: FGFR2 (fibroblast growth factor receptor 2; minus strand). Cytogenetic location: 10q26.13.
Variant type: single nucleotide variant.
Coding change: c.1342A>G on transcript NM_000141.5 (MANE Select); coding-DNA position 1342, A replaced by G.
Protein change: p.Thr448Ala; replaces threonine 448 with alanine.
Molecular consequence: missense variant. On other transcripts: non-coding transcript variant (1).
Genome position (GRCh38, 1-based): chr10:121,503,887, T>C on the plus strand (A>G on the coding strand, the complement: FGFR2 is on the minus strand). VCF-style: chr10-121503887-T-C. GRCh37 (hg19) VCF-style: chr10-123263401-T-C.
Other names: c.1345A>G, p.Thr449Ala (NM_001144913.1, NM_022970.4); c.1006A>G, p.Thr336Ala (NM_001144914.1); c.1075A>G, p.Thr359Ala (NM_001144915.2, NM_023029.3); c.997A>G, p.Thr333Ala (NM_001144916.2); c.994A>G, p.Thr332Ala (NM_001144917.2); c.991A>G, p.Thr331Ala (NM_001144918.2); c.1078A>G, p.Thr360Ala (NM_001144919.2); c.658A>G, p.Thr220Ala (NM_001320654.2); and 1 more; short protein forms T331A, T333A, T336A, T449A, T220A, T360A, T448A, T332A.
Identifiers: ClinVar variation 1903593 (VCV001903593.7), dbSNP rs1187984599, ClinGen allele CA378325322.